The following is an entry in ClinVar:

ClinVar aggregate classification (germline): Pathogenic/Likely pathogenic. Review status: criteria provided, multiple submitters, no conflicts (2 of 4 stars). 12 submissions from 12 submitters: Pathogenic (1); Likely pathogenic (9). 2 of the submissions do not count toward it. Last evaluated 2025-08-08.

Conditions:
Aplastic anemia. Identifiers: Orphanet 182040, Orphanet 88, MedGen C0002874, MONDO:0015909, OMIM 609135, HP:0001915.
Acute lymphoid leukemia (ALL). Also called: Lymphoblastic leukemia; Acute lymphoblastic leukemia; Acute lymphocytic leukemia; Leukemia, acute lymphoblastic, somatic. Identifiers: Orphanet 513, MedGen C0023449, MONDO:0004967, OMIM 613065, HP:0006721.
Microcephaly, normal intelligence and immunodeficiency (NBS). Also called: IMMUNODEFICIENCY, MICROCEPHALY, AND CHROMOSOMAL INSTABILITY; SEEMANOVA SYNDROME II; Nijmegen breakage syndrome; Microcephaly with normal intelligence immunodeficiency and lymphoreticular malignancies; Nonsyndromal microcephaly autosomal recessive with normal intelligence; Seemanova syndrome 2. Identifiers: Orphanet 647, MedGen C0398791, MONDO:0009623, OMIM 251260.
Hereditary cancer-predisposing syndrome. Also called: Tumor predisposition; Hereditary Cancer Syndrome; Hereditary neoplastic syndrome; Neoplastic Syndromes, Hereditary. Identifiers: Orphanet 140162, MedGen C0027672, MeSH D009386, MONDO:0015356.

Allele frequency attached by ClinVar (database versions not stated): gnomAD exomes 0.00001 and below 0.00001; TOPMed 0.00001; gnomAD 0.00001.
gnomAD v4.1: 7 of 1,613,440 alleles (0.00043%); highest among the groups gnomAD compares: African/African-American, 0.0093%; no homozygotes.

Submissions (12):

Ambry Genetics
Classification: Likely pathogenic for Hereditary cancer-predisposing syndrome. Last evaluated: 2025-08-08. Review status: criteria provided, single submitter. Criteria: Ambry Variant Classification Scheme 2023. Collection method: clinical testing. Allele origin: germline.
Comment: The c.2184+1G>T intronic variant results from a G to T substitution one nucleotide after coding exon 14 of the NBN gene. This variant was detected in 1/1136 cases and 0/997 controls in a Nigeran breast cancer study (Zheng Y et al. J Clin Oncol, 2018 Oct;36:2820-2825), and was also detected in cohort of 1004 patients with osteosarcoma (Mirabello L et al. JAMA Oncol, 2020 May;6:724-734). Additional studies detected this alteration in 0/3030 pancreatic cancer cases and 2/123136 population controls (Hu C et al. JAMA, 2018 06;319:2401-2409), as well as in 0/871 breast cancer cases and 2/1563 controls (Ahearn TU et al. Cancer Epidemiol Biomarkers Prev, 2022 Aug;31:1593-1601). This nucleotide position is highly conserved in available vertebrate species. In silico splice site analysis predicts that this alteration will weaken the native splice donor site. RNA studies have demonstrated that this alteration results in abnormal splicing in the set of samples tested (Ambry internal data). Alterations that disrupt the canonical splice site are expected to cause aberrant splicing, resulting in an abnormal protein or a transcript that is subject to nonsense-mediated mRNA decay. As such, this alteration is classified as likely pathogenic.

GeneDx
Classification: Likely pathogenic. Last evaluated: 2025-08-03. Review status: criteria provided, single submitter. Criteria: GeneDx Variant Classification Process June 2021. Collection method: clinical testing. Allele origin: germline. Affected: yes.
Comment: Canonical splice site variant predicted to result in an in-frame loss of the adjacent exon in a gene for which loss of function is a known mechanism of disease; Observed in individuals with breast, ovarian or other cancers, and also in unaffected controls in the published literature (PMID: 30130155, 28888541, 32191290, 35654374); Not observed at significant frequency in large population cohorts (gnomAD); This variant is associated with the following publications: (PMID: 29922827, 28888541, 30130155, 24894818, 32191290, 35654374)

Labcorp Genetics (formerly Invitae), Labcorp
Classification: Likely pathogenic for Microcephaly, normal intelligence and immunodeficiency. Last evaluated: 2025-07-08. Review status: criteria provided, single submitter. Criteria: Invitae Variant Classification Sherloc (09022015). Collection method: clinical testing. Allele origin: germline.
Comment: This sequence change affects a donor splice site in intron 14 of the NBN gene. RNA analysis indicates that disruption of this splice site induces altered splicing and likely results in a shortened protein product. This variant is present in population databases (no rsID available, gnomAD 0.01%). Disruption of this splice site has been observed in individual(s) with breast and/or ovarian cancer (PMID: 28888541, 30130155). ClinVar contains an entry for this variant (Variation ID: 233424). Studies have shown that disruption of this splice site results in skipping of exon 14, but is expected to preserve the integrity of the reading-frame (internal data). In summary, the currently available evidence indicates that the variant is pathogenic, but additional data are needed to prove that conclusively. Therefore, this variant has been classified as Likely Pathogenic.

Natera, Inc.
Classification: Likely pathogenic for Nijmegen breakage syndrome. Last evaluated: 2024-12-17. Review status: criteria provided, single submitter. Criteria: Natera Variant Classification Schema (03/2026). Collection method: clinical testing. Allele origin: germline.
Comment: The c.2184+1G>T variant in NBN is a canonical splice donor site variant predicted to affect pre-mRNA splicing, which may result in an abnormal transcript and altered protein product. This variant is expected to result in nonsense mediated decay, truncation, or a dysfunctional protein product. This variant is rare in the general population with a frequency below the threshold expected for the associated phenotype(s). Given the available evidence, this variant is classified as Likely Pathogenic.

Fulgent Genetics
Classification: Likely pathogenic for Microcephaly, normal intelligence and immunodeficiency; Aplastic anemia; Acute lymphoid leukemia. Last evaluated: 2024-02-09. Review status: criteria provided, single submitter. Criteria: ACMG Guidelines, 2015. Collection method: clinical testing. Allele origin: germline.

Women's Health and Genetics/Laboratory Corporation of America, LabCorp
Classification: Likely pathogenic for Microcephaly, normal intelligence and immunodeficiency. Last evaluated: 2023-12-14. Review status: criteria provided, single submitter. Criteria: LabCorp Variant Classification Summary - May 2015. Collection method: clinical testing. Allele origin: germline.
Comment: Variant summary: NBN c.2184+1G>T is located in a canonical splice-site and is predicted to affect mRNA splicing resulting in a significantly altered protein due to either exon skipping, shortening, or inclusion of intronic material. Several computational tools predict a significant impact on normal splicing: Four predict the variant abolishes a 5 splicing donor site. However, these predictions have yet to be confirmed by functional studies. The variant allele was found at a frequency of 1.6e-05 in 256404 control chromosomes (gnomAD and publication data). c.2184+1G>T has been reported in the literature in individuals affected with ovarian cancer, breast cancer or osteosarcoma (Lilyquist_2017, Zheng_2018, Mirabello_2020). These data indicate that the variant may be associated with disease. To our knowledge, no experimental evidence demonstrating an impact on protein function has been reported. The following publications have been ascertained in the context of this evaluation (PMID: 35654374, 29922827, 28888541, 32191290, 30130155). Seven submitters have cited clinical-significance assessments for this variant to ClinVar after 2014. All submitters classified the variant as likely pathogenic. Based on the evidence outlined above, the variant was classified as likely pathogenic.

Genetic Services Laboratory, University of Chicago
Classification: Pathogenic. Last evaluated: 2023-06-06. Review status: criteria provided, single submitter. Criteria: ACMG Guidelines, 2015. Collection method: clinical testing. Allele origin: germline. Affected: yes.
Comment: DNA sequence analysis of the NBN gene demonstrated a sequence change in the canonical splice donor site/splice acceptor site of intron 14, c.2184+1G>T. This sequence change does not appear to have been previously described in individuals with Nijmegen breakage syndrome but has been described in an individual with ovarian cancer (PMID: 28888541). This sequence change has been described in the gnomAD database with a global frequency of 0.0008% (dbSNP rs756363734). This sequence change is predicted to affect normal splicing of the NBN gene and result in an abnormal protein. Loss of function variants in this gene have been reported in NBN-related disorders (PMID: 9590180, 16415040). Collectively, this evidence indicates that this sequence change is likely pathogenic, however functional studies have not been performed to prove this conclusively.

Genome-Nilou Lab
Classification: Likely pathogenic for Microcephaly, normal intelligence and immunodeficiency. Last evaluated: 2021-11-07. Review status: criteria provided, single submitter. Criteria: ACMG Guidelines, 2015. Collection method: clinical testing. Allele origin: germline. Affected: no.

St. Jude Molecular Pathology, St. Jude Children's Research Hospital
Classification: Likely pathogenic for Microcephaly, normal intelligence and immunodeficiency. Last evaluated: 2021-05-27. Review status: criteria provided, single submitter. Criteria: St. Jude Assertion Criteria 2020. Collection method: clinical testing. Allele origin: germline.
Comment: The NBN c.2184+1G>T intronic change results from a a G to T substitution at the +1 position of intron 14 of the NBN gene. This variant is predicted to result in loss of the native splice donor site (PP3) and skipping of exon 14 has been confirmed by RNA studies (PVS1_Strong; internal data). This variant has a maximum subpopulation frequency of 0.012% in gnomAD v2.1.1 (PM2_Supporting). This variant is absent in the FLOSSIES database which contains genetic variants from women older than 70 years of age who have never had cancer. In summary, this variant meets criteria to be classified as likely pathogenic based on the ACMG/AMP criteria: PVS1_Strong, PM2_Supporting, PP3.

Revvity Omics, Revvity
Classification: Likely pathogenic. Last evaluated: 2019-06-04. Review status: criteria provided, single submitter. Criteria: ACMG Guidelines, 2015. Collection method: clinical testing. Allele origin: germline.

Counsyl
Classification: Likely pathogenic for Microcephaly, normal intelligence and immunodeficiency. Last evaluated: 2016-08-04. Review status: no assertion criteria provided. Collection method: clinical testing. Allele origin: unknown. Not counted in ClinVar's aggregate classification.

Baylor Genetics
Classification: Uncertain significance for Aplastic anemia. Last evaluated: 2023-03-19. Review status: flagged submission. Criteria: ACMG Guidelines, 2015. Collection method: clinical testing. Allele origin: unknown. Not counted in ClinVar's aggregate classification.
ClinVar note: Reason: Outlier claim with insufficient supporting evidence

Literature cited by the submitters: PubMed 29922827 (cited by Ambry Genetics and Women's Health and Genetics/Laboratory Corporation of America, LabCorp); PubMed 30130155 (cited by 3 submitters); PubMed 32191290 (cited by Ambry Genetics and Women's Health and Genetics/Laboratory Corporation of America, LabCorp); PubMed 35654374 (cited by Ambry Genetics and Women's Health and Genetics/Laboratory Corporation of America, LabCorp); PubMed 28888541 (cited by Labcorp Genetics (formerly Invitae), Labcorp and Women's Health and Genetics/Laboratory Corporation of America, LabCorp).

NM_002485.5(NBN):c.2184+1G>T

Gene: NBN (nibrin; minus strand). Cytogenetic location: 8q21.3.
Variant type: single nucleotide variant.
Coding change: c.2184+1G>T on transcript NM_002485.5 (MANE Select); the canonical splice donor site of the intron after coding-DNA position 2184, G replaced by T.
Molecular consequence: splice donor variant.
Genome position (GRCh38, 1-based): chr8:89,943,252, C>A on the plus strand (G>T on the coding strand, the complement: NBN is on the minus strand). VCF-style: chr8-89943252-C-A. GRCh37 (hg19) VCF-style: chr8-90955480-C-A.
Other names: c.1938+1G>T (NM_001024688.3).
Identifiers: ClinVar variation 233424 (VCV000233424.40), dbSNP rs756363734, ClinGen allele CA10578743.
Genomic context (GRCh38, chr8:89,943,252, plus strand): 5'-GGCCACCATAATGGACCAAAGTGCAATTTAAGCAAGTTTCTGGGCCTCACTTCCTACTAA[C>A]CTCCATTTCCTGCCTTAGCCACTCTTCTAGTTCTGTATTCTTTCGAGCATGATGAGCTAT-3'